The following is an entry in ClinVar:

NM_000051.4(ATM):c.8450_8451del (p.Lys2816_Tyr2817insTer)

Genes: ATM (ATM serine/threonine kinase; plus strand), C11orf65 (chromosome 11 open reading frame 65; minus strand). Cytogenetic location: 11q22.3.
Variant type: Microsatellite.
Coding change: c.8450_8451del on transcript NM_000051.4 (MANE Select); coding-DNA positions 8450 to 8451, 2 bases deleted (AT; older notation c.8450_8451delAT).
Protein change: p.Lys2816_Tyr2817insTer.
Molecular consequence: nonsense. On other transcripts: intron variant (2), frameshift variant (1).
Genome position (GRCh38, 1-based): chr11:108,345,774-108,345,775, AT deleted; deleting any 2 consecutive bases within chr11:108,345,772-108,345,775 gives the same sequence; the c. name uses the placement nearest the transcript's 3' end. VCF-style (leftmost placement, unchanged base first): chr11-108345771-AAT-A. GRCh37 (hg19) VCF-style: chr11-108216498-AAT-A.
Other names: c.8450_8451del, p.Lys2816_Tyr2817insTer (NM_001351834.2); c.641-36702_641-36701del (NM_001330368.2); c.695-10481_695-10480del (NM_001351110.2); c.8450_8451delAT (NM_000051.3).
Identifiers: ClinVar variation 5031727 (VCV005031727.1).

ClinVar aggregate classification (germline): Pathogenic (1 of 4 stars; one submission).

Conditions:
Hereditary cancer-predisposing syndrome. Also called: Neoplastic Syndromes, Hereditary; Tumor predisposition; Hereditary neoplastic syndrome; Hereditary Cancer Syndrome. Identifiers: Orphanet 140162, MedGen C0027672, MeSH D009386, MONDO:0015356.

Submission:

Ambry Genetics
Classification: Pathogenic for Hereditary cancer-predisposing syndrome. Last evaluated: 2026-07-22. Review status: criteria provided, single submitter. Criteria: Ambry Variant Classification Scheme 2023. Collection method: clinical testing. Allele origin: germline.
Comment: The c.8450_8451delAT pathogenic mutation, located in coding exon 57 of the ATM gene, results from a deletion of two nucleotides at nucleotide positions 8450 to 8451, causing a translational frameshift with a predicted alternate stop codon (p.Y2817*). This variant is considered to be rare based on population cohorts in the Genome Aggregation Database (gnomAD). This alteration is expected to result in loss of function by premature protein truncation or nonsense-mediated mRNA decay. As such, this alteration is interpreted as a disease-causing mutation.